The following is an entry in ClinVar:

ClinVar aggregate classification (germline): Uncertain significance. Review status: criteria provided, multiple submitters, no conflicts (2 of 4 stars). 3 submissions from 3 submitters: Uncertain significance (3). Last evaluated 2025-03-13.

Conditions:
Neurodegeneration with brain iron accumulation 5 (NBIA5). Also called: STATIC ENCEPHALOPATHY OF CHILDHOOD WITH NEURODEGENERATION IN ADULTHOOD; Beta-propeller protein-associated neurodegeneration. Identifiers: Orphanet 329284, MedGen C3550973, MONDO:0010476, OMIM 300894.

Allele frequency attached by ClinVar (database versions not stated): gnomAD exomes below 0.00001; gnomAD 0.00001.
gnomAD v4.1: 4 of 1,210,589 alleles (0.00033%); highest among the groups gnomAD compares: African/African-American, 0.0017%; no homozygotes.

Submissions (3):

Labcorp Genetics (formerly Invitae), Labcorp
Classification: Uncertain significance for Neurodegeneration with brain iron accumulation 5. Last evaluated: 2025-03-13. Review status: criteria provided, single submitter. Criteria: Invitae Variant Classification Sherloc (09022015). Collection method: clinical testing. Allele origin: germline.
Comment: This sequence change replaces arginine, which is basic and polar, with histidine, which is basic and polar, at codon 30 of the WDR45 protein (p.Arg30His). This variant is not present in population databases (gnomAD no frequency). This variant has not been reported in the literature in individuals affected with WDR45-related conditions. ClinVar contains an entry for this variant (Variation ID: 1064356). Invitae Evidence Modeling of protein sequence and biophysical properties (such as structural, functional, and spatial information, amino acid conservation, physicochemical variation, residue mobility, and thermodynamic stability) indicates that this missense variant is expected to disrupt WDR45 protein function with a positive predictive value of 80%. In summary, the available evidence is currently insufficient to determine the role of this variant in disease. Therefore, it has been classified as a Variant of Uncertain Significance.

GeneDx
Classification: Uncertain significance. Last evaluated: 2023-03-20. Review status: criteria provided, single submitter. Criteria: GeneDx Variant Classification Process June 2021. Collection method: clinical testing. Allele origin: germline. Affected: yes.
Comment: Not observed at significant frequency in large population cohorts (gnomAD); In silico analysis supports that this missense variant has a deleterious effect on protein structure/function; Has not been previously published as pathogenic or benign to our knowledge

Blueprint Genetics
Classification: Uncertain significance. Last evaluated: 2022-11-09. Review status: criteria provided, single submitter. Criteria: ACMG Guidelines, 2015. Collection method: clinical testing. Allele origin: germline.

NM_001029896.2(WDR45):c.89G>A (p.Arg30His)

Genes: WDR45 (WD repeat domain 45; minus strand), LOC126863256 (BRD4-independent group 4 enhancer GRCh37_chrX:48934848-48936047; plus strand). Cytogenetic location: Xp11.23.
Variant type: single nucleotide variant.
Coding change: c.89G>A on transcript NM_001029896.2 (MANE Select); coding-DNA position 89, G replaced by A.
Protein change: p.Arg30His; replaces arginine 30 with histidine.
Molecular consequence: missense variant.
Genome position (GRCh38, 1-based): chrX:49,077,878, C>T on the plus strand (G>A on the coding strand, the complement: WDR45 is on the minus strand). VCF-style: chrX-49077878-C-T. GRCh37 (hg19) VCF-style: chrX-48935537-C-T.
Other names: c.89G>A (NM_007075.3); c.89G>A, p.Arg30His (NM_007075.4); short protein forms R30H.
Identifiers: ClinVar variation 1064356 (VCV001064356.11), dbSNP rs2065047023, ClinGen allele CA412949378.